The following is an entry in ClinVar:

ClinVar aggregate classification (germline): Uncertain significance (1 of 4 stars; one submission).

Conditions:
Hereditary cancer-predisposing syndrome. Also called: Hereditary neoplastic syndrome; Tumor predisposition; Neoplastic Syndromes, Hereditary; Hereditary Cancer Syndrome. Identifiers: Orphanet 140162, MedGen C0027672, MeSH D009386, MONDO:0015356.

Submission:

Labcorp Genetics (formerly Invitae), Labcorp
Classification: Uncertain significance for Hereditary cancer-predisposing syndrome. Last evaluated: 2023-08-18. Review status: criteria provided, single submitter. Criteria: Invitae Variant Classification Sherloc (09022015). Collection method: clinical testing. Allele origin: germline.
Comment: This sequence change falls in intron 7 of the RAD50 gene. It does not directly change the encoded amino acid sequence of the RAD50 protein. It affects a nucleotide within the consensus splice site. This variant is not present in population databases (gnomAD no frequency). This variant has not been reported in the literature in individuals affected with RAD50-related conditions. ClinVar contains an entry for this variant (Variation ID: 571724). Variants that disrupt the consensus splice site are a relatively common cause of aberrant splicing (PMID: 17576681, 9536098). Algorithms developed to predict the effect of sequence changes on RNA splicing suggest that this variant is not likely to affect RNA splicing. In summary, the available evidence is currently insufficient to determine the role of this variant in disease. Therefore, it has been classified as a Variant of Uncertain Significance.

Literature cited by the submitters: PubMed 17576681; PubMed 9536098.

NM_005732.4(RAD50):c.1051+6A>G

Gene: RAD50 (RAD50 double strand break repair protein; plus strand). Cytogenetic location: 5q31.1.
Variant type: single nucleotide variant.
Coding change: c.1051+6A>G on transcript NM_005732.4 (MANE Select); 6 bases into the intron after coding-DNA position 1051, A replaced by G.
Molecular consequence: intron variant.
Genome position (GRCh38, 1-based): chr5:132,588,095, A>G. VCF-style: chr5-132588095-A-G. GRCh37 (hg19) VCF-style: chr5-131923787-A-G.
Identifiers: ClinVar variation 571724 (VCV000571724.11), dbSNP rs1561639245, ClinGen allele CA891842980.
Genomic context (GRCh38, chr5:132,588,095, plus strand): 5'-AATAAAGAATCTAGGCTTCTCAATCAGGAAAAATCAGAACTGCTTGTTGAACAGGGTAGG[A>G]CAAAATGTTTATTTGGTCGTTTTTCCTACTATGATGTTATACATTTTCTGTATGAATGAA-3'